The following is an entry in ClinVar:

ClinVar aggregate classification (germline): Uncertain significance. Review status: criteria provided, multiple submitters, no conflicts (2 of 4 stars). 2 submissions from 2 submitters: Uncertain significance (2). Last evaluated 2025-05-03.

Conditions:
Cardiovascular phenotype. Identifiers: MedGen CN230736.

Allele frequency attached by ClinVar (database versions not stated): TOPMed below 0.00001.
gnomAD v4.1: 13 of 1,614,130 alleles (0.00081%); highest among the groups gnomAD compares: Non-Finnish European, 0.001%; no homozygotes.

Submissions (2):

Ambry Genetics
Classification: Uncertain significance for Cardiovascular phenotype. Last evaluated: 2025-05-03. Review status: criteria provided, single submitter. Criteria: Ambry Variant Classification Scheme 2023. Collection method: clinical testing. Allele origin: germline.
Comment: The p.L38V variant (also known as c.112C>G), located in coding exon 2 of the APOA1 gene, results from a C to G substitution at nucleotide position 112. The leucine at codon 38 is replaced by valine, an amino acid with highly similar properties. This amino acid position is conserved. In addition, this alteration is predicted to be tolerated by in silico analysis. Based on the available evidence, the clinical significance of this variant remains unclear.

Labcorp Genetics (formerly Invitae), Labcorp
Classification: Uncertain significance. Last evaluated: 2022-10-14. Review status: criteria provided, single submitter. Criteria: Invitae Variant Classification Sherloc (09022015). Collection method: clinical testing. Allele origin: germline.
Comment: In summary, the available evidence is currently insufficient to determine the role of this variant in disease. Therefore, it has been classified as a Variant of Uncertain Significance. Advanced modeling of protein sequence and biophysical properties (such as structural, functional, and spatial information, amino acid conservation, physicochemical variation, residue mobility, and thermodynamic stability) performed at Invitae indicates that this missense variant is not expected to disrupt APOA1 protein function. This variant has not been reported in the literature in individuals affected with APOA1-related conditions. This variant is not present in population databases (gnomAD no frequency). This sequence change replaces leucine, which is neutral and non-polar, with valine, which is neutral and non-polar, at codon 38 of the APOA1 protein (p.Leu38Val).

NM_000039.3(APOA1):c.112C>G (p.Leu38Val)

Genes: APOA1 (apolipoprotein A1; minus strand), APOA1-AS (APOA1 antisense RNA; plus strand). Cytogenetic location: 11q23.3.
Variant type: single nucleotide variant.
Coding change: c.112C>G on transcript NM_000039.3 (MANE Select); coding-DNA position 112, C replaced by G.
Protein change: p.Leu38Val; replaces leucine 38 with valine.
Molecular consequence: missense variant.
Genome position (GRCh38, 1-based): chr11:116,837,089, G>C on the plus strand (C>G on the coding strand, the complement: APOA1 is on the minus strand). VCF-style: chr11-116837089-G-C. GRCh37 (hg19) VCF-style: chr11-116707805-G-C.
Other names: c.112C>G, p.Leu38Val (NM_001318017.2, NM_001318018.2); c.-216C>G (NM_001318021.2); short protein forms L38V.
Identifiers: ClinVar variation 1952221 (VCV001952221.6), dbSNP rs745889664, ClinGen allele CA382719410.